The following is an entry in ClinVar:

NM_000069.3(CACNA1S):c.2439C>T (p.Ser813=)

Gene: CACNA1S (calcium voltage-gated channel subunit alpha1 S; minus strand). Cytogenetic location: 1q32.1.
Variant type: single nucleotide variant.
Coding change: c.2439C>T on transcript NM_000069.3 (MANE Select); coding-DNA position 2439, C replaced by T.
Protein change: p.Ser813=; no amino-acid change (serine 813 retained).
Molecular consequence: synonymous variant.
Genome position (GRCh38, 1-based): chr1:201,069,523, G>A on the plus strand (C>T on the coding strand, the complement: CACNA1S is on the minus strand). VCF-style: chr1-201069523-G-A. GRCh37 (hg19) VCF-style: chr1-201038651-G-A.
Identifiers: ClinVar variation 294745 (VCV000294745.22), dbSNP rs376863448, ClinGen allele CA078992.

ClinVar aggregate classification (germline): Benign/Likely benign. Review status: criteria provided, multiple submitters, no conflicts (2 of 4 stars). 12 submissions from 9 submitters: Benign (6); Likely benign (5). 1 of the submissions does not count toward it. Last evaluated 2025-09-09.

Conditions:
CACNA1S-related disorder. Also called: CACNA1S-related condition.
Hypokalemic periodic paralysis, type 1. Also called: Hypokalemic Periodic Paralysis Type 1 (AD); HypoPP. Identifiers: Orphanet 681, MedGen C3714580, MONDO:0042979, OMIM 170400.
Congenital myopathy 18. Also called: Myopathy, congenital, due to dihydropyridine receptor defect; DIHYDROPYRIDINE RECEPTOR CONGENITAL MYOPATHY; DHPR CONGENITAL MYOPATHY. Identifiers: MedGen C5830283, MONDO:0859514, OMIM 620246.
Malignant hyperthermia, susceptibility to, 5 (MHS5). Also called: CACNA1S-Related Malignant Hyperthermia Susceptibility. Identifiers: Orphanet 423, MedGen C1866077, MONDO:0011163, OMIM 601887.
Thyrotoxic periodic paralysis, susceptibility to, 1 (TTPP1). Identifiers: Orphanet 79102, MedGen C2749982, MONDO:0008570, OMIM 188580.

Allele frequency attached by ClinVar (database versions not stated): gnomAD 0.00005 and 0.00006; ESP Exome Variant Server 0.00008; TOPMed 0.00010; gnomAD exomes 0.00014; 1000 Genomes Project 30x 0.00016; 1000 Genomes Project 0.00020; ExAC 0.00020.
gnomAD v4.1: 150 of 1,593,074 alleles (0.0094%); highest among the groups gnomAD compares: East Asian, 0.066%; no homozygotes.

Submissions (12):

Labcorp Genetics (formerly Invitae), Labcorp
Classification: Likely benign for Hypokalemic periodic paralysis, type 1; Malignant hyperthermia, susceptibility to, 5. Last evaluated: 2025-09-09. Review status: criteria provided, single submitter. Criteria: Invitae Variant Classification Sherloc (09022015). Collection method: clinical testing. Allele origin: germline.

Blueprint Genetics
Classification: Likely benign. Last evaluated: 2023-12-28. Review status: criteria provided, single submitter. Criteria: ACMG Guidelines, 2015. Collection method: clinical testing. Allele origin: germline.

All of Us Research Program, National Institutes of Health
Classification: Likely benign for Malignant hyperthermia, susceptibility to, 5. Last evaluated: 2023-12-18. Review status: criteria provided, single submitter. Criteria: ACMG Guidelines, 2015. Collection method: clinical testing. Allele origin: germline. Inheritance: Autosomal dominant inheritance. Observed: 19 variant alleles, 19 heterozygotes.
Comment: This study involves interpretation of variants in research participants for the purpose of population health screening. Participant phenotype was not available at the time of variant classification. Additional details can be found in publication PMID: 35346344, PMCID: PMC8962531

Genome-Nilou Lab
Classification: Benign for Malignant hyperthermia, susceptibility to, 5. Last evaluated: 2023-04-11. Review status: criteria provided, single submitter. Criteria: ACMG Guidelines, 2015. Collection method: clinical testing. Allele origin: germline. Affected: no.

Genome-Nilou Lab
Classification: Benign for Thyrotoxic periodic paralysis, susceptibility to, 1. Last evaluated: 2023-04-11. Review status: criteria provided, single submitter. Criteria: ACMG Guidelines, 2015. Collection method: clinical testing. Allele origin: germline. Affected: no.

Genome-Nilou Lab
Classification: Benign for Congenital myopathy 18. Last evaluated: 2023-04-11. Review status: criteria provided, single submitter. Criteria: ACMG Guidelines, 2015. Collection method: clinical testing. Allele origin: germline. Affected: no.

Genome-Nilou Lab
Classification: Benign for Hypokalemic periodic paralysis, type 1. Last evaluated: 2023-04-11. Review status: criteria provided, single submitter. Criteria: ACMG Guidelines, 2015. Collection method: clinical testing. Allele origin: germline. Affected: no.

Color Diagnostics, LLC DBA Color Health
Classification: Likely benign for Malignant hyperthermia, susceptibility to, 5. Last evaluated: 2022-11-06. Review status: criteria provided, single submitter. Criteria: ACMG Guidelines, 2015. Collection method: clinical testing. Allele origin: germline.

Athena Diagnostics
Classification: Benign. Last evaluated: 2019-06-07. Review status: criteria provided, single submitter. Criteria: Athena Diagnostics Criteria. Collection method: clinical testing. Allele origin: germline.

GeneDx
Classification: Likely benign. Last evaluated: 2018-01-29. Review status: criteria provided, single submitter. Criteria: GeneDx Variant Classification (06012015). Collection method: clinical testing. Allele origin: germline. Affected: yes.
Comment: This variant is considered likely benign or benign based on one or more of the following criteria: it is a conservative change, it occurs at a poorly conserved position in the protein, it is predicted to be benign by multiple in silico algorithms, and/or has population frequency not consistent with disease.

Illumina Laboratory Services, Illumina
Classification: Benign for Hypokalemic periodic paralysis, type 1. Last evaluated: 2018-01-13. Review status: criteria provided, single submitter. Criteria: ICSL Variant Classification Criteria 13 December 2019. Collection method: clinical testing. Allele origin: germline.
Comment: This variant was observed in the ICSL laboratory as part of a predisposition screen in an ostensibly healthy population. It had not been previously curated by ICSL or reported in the Human Gene Mutation Database (HGMD: prior to June 1st, 2018), and was therefore a candidate for classification through an automated scoring system. Utilizing variant allele frequency, disease prevalence and penetrance estimates, and inheritance mode, an automated score was calculated to assess if this variant is too frequent to cause the disease. Based on the score and internal cut-off values, a variant classified as benign is not then subjected to further curation. The score for this variant resulted in a classification of benign for this disease.

PreventionGenetics, part of Exact Sciences
Classification: Likely benign for CACNA1S-related condition. Last evaluated: 2019-04-14. Review status: no assertion criteria provided. Collection method: clinical testing. Allele origin: germline. Not counted in ClinVar's aggregate classification.
Comment: This variant is classified as likely benign based on ACMG/AMP sequence variant interpretation guidelines (Richards et al. 2015 PMID: 25741868, with internal and published modifications).